The following is an entry in ClinVar:

ClinVar aggregate classification (germline): Pathogenic (1 of 4 stars; one submission).

Submission:

Labcorp Genetics (formerly Invitae), Labcorp
Classification: Pathogenic. Last evaluated: 2023-06-05. Review status: criteria provided, single submitter. Criteria: Invitae Variant Classification Sherloc (09022015). Collection method: clinical testing. Allele origin: germline.
Comment: ClinVar contains an entry for this variant (Variation ID: 1072156). This variant has not been reported in the literature in individuals affected with LIFR-related conditions. This variant is not present in population databases (gnomAD no frequency). This sequence change creates a premature translational stop signal (p.Val685Asnfs*4) in the LIFR gene. It is expected to result in an absent or disrupted protein product. Loss-of-function variants in LIFR are known to be pathogenic (PMID: 14740318). For these reasons, this variant has been classified as Pathogenic.

Literature cited by the submitters: PubMed 14740318.

NM_001127671.2(LIFR):c.2053_2054del (p.Val685fs)

Gene: LIFR (LIF receptor subunit alpha; minus strand). Cytogenetic location: 5p13.1.
Variant type: Deletion.
Coding change: c.2053_2054del on transcript NM_001127671.2 (MANE Select); coding-DNA positions 2053 to 2054, 2 bases deleted (GT; older notation c.2053_2054delGT).
Protein change: p.Val685fs; shifts the reading frame from valine 685.
Molecular consequence: frameshift variant.
Genome position (GRCh38, 1-based): chr5:38,493,617-38,493,618, AC deleted on the plus strand (GT on the coding strand, the reverse complement: LIFR is on the minus strand); deleting any 2 consecutive bases within chr5:38,493,617-38,493,619 gives the same sequence; the c. name uses the placement nearest the transcript's 3' end. VCF-style (leftmost placement, unchanged base first): chr5-38493616-TAC-T. GRCh37 (hg19) VCF-style: chr5-38493718-TAC-T.
Other names: c.2053_2054del, p.Val685fs (NM_001364297.2, NM_001364298.2, NM_002310.6); short protein forms V685fs.
Identifiers: ClinVar variation 1072156 (VCV001072156.7), dbSNP rs2112416721, ClinGen allele CA2499217851.
Genomic context (GRCh38, chr5:38,493,616, plus strand): 5'-TTTTAAAAATATTTTGTAGAACTTAATTGAGAGACACTAATTCATCTTACCAGATTCTAT[TAC>T]AGTTTCAGTGCTGTTTGAGGGAACTTTTCTCCAGTCCATAAGGCATGGTTCCGACCGAGA-3'